The following is an entry in ClinVar:

NM_170754.4(TNS2):c.3992+1G>T

Gene: TNS2 (tensin 2; plus strand). Cytogenetic location: 12q13.13.
Variant type: single nucleotide variant.
Coding change: c.3992+1G>T on transcript NM_170754.4 (MANE Select); the canonical splice donor site of the intron after coding-DNA position 3992, G replaced by T.
Molecular consequence: splice donor variant.
Genome position (GRCh38, 1-based): chr12:53,063,258, G>T. VCF-style: chr12-53063258-G-T. GRCh37 (hg19) VCF-style: chr12-53457042-G-T.
Other names: c.3620+1G>T (NM_198316.2); c.3992+1G>T (NM_001416202.1); c.3950+1G>T (NM_001416203.1); c.3923+1G>T (NM_015319.3); c.4019+1G>T (NM_001416204.1).
Identifiers: ClinVar variation 2074635 (VCV002074635.4), dbSNP rs770163192, ClinGen allele CA6593039.
Genomic context (GRCh38, chr12:53,063,258, plus strand): 5'-AGCTGTTGTCCACTTCAAGGTGTCAGCCCAGGGCATTACACTGACGGACAACCAAAGGAA[G>T]TATGTATACTCAGCCCTGTAGAACCCCATGCTTAAGGCCCCTGGGGGCTCATGTTTCTGA-3'

ClinVar aggregate classification (germline): Uncertain significance (1 of 4 stars; one submission).

Allele frequency attached by ClinVar (database versions not stated): TOPMed 0.00002; ExAC 0.00001.
gnomAD v4.1: 4 of 1,613,528 alleles (0.00025%); highest among the groups gnomAD compares: Admixed American, 0.0067%; no homozygotes.

Submission:

Labcorp Genetics (formerly Invitae), Labcorp
Classification: Uncertain significance. Last evaluated: 2022-12-06. Review status: criteria provided, single submitter. Criteria: Invitae Variant Classification Sherloc (09022015). Collection method: clinical testing. Allele origin: germline.
Comment: This sequence change affects a donor splice site in intron 26 of the TNS2 gene. It is expected to disrupt RNA splicing. Variants that disrupt the donor or acceptor splice site typically lead to a loss of protein function (PMID: 16199547), however the current clinical and genetic evidence is not sufficient to establish whether loss-of-function variants in TNS2 cause disease. This variant is present in population databases (rs770163192, gnomAD 0.01%). In summary, the available evidence is currently insufficient to determine the role of this variant in disease. Therefore, it has been classified as a Variant of Uncertain Significance. Algorithms developed to predict the effect of sequence changes on RNA splicing suggest that this variant may disrupt the consensus splice site. This variant has not been reported in the literature in individuals affected with TNS2-related conditions.

Literature cited by the submitters: PubMed 16199547.